The following is an entry in ClinVar:

NM_138694.4(PKHD1):c.5273C>T (p.Ala1758Val)

Gene: PKHD1 (PKHD1 ciliary IPT domain containing fibrocystin/polyductin; minus strand). Cytogenetic location: 6p12.2.
Variant type: single nucleotide variant.
Coding change: c.5273C>T on transcript NM_138694.4 (MANE Select); coding-DNA position 5273, C replaced by T.
Protein change: p.Ala1758Val; replaces alanine 1758 with valine.
Molecular consequence: missense variant.
Genome position (GRCh38, 1-based): chr6:52,022,908, G>A on the plus strand (C>T on the coding strand, the complement: PKHD1 is on the minus strand). VCF-style: chr6-52022908-G-A. GRCh37 (hg19) VCF-style: chr6-51887706-G-A.
Other names: c.5273C>T, p.Ala1758Val (NM_170724.3); short protein forms A1758V.
Identifiers: ClinVar variation 1913891 (VCV001913891.2), dbSNP rs200928412, ClinGen allele CA3852548.

ClinVar aggregate classification (germline): Uncertain significance (1 of 4 stars; one submission).

Conditions:
Autosomal recessive polycystic kidney disease (ARPKD). Also called: AR polycystic kidney disease. Identifiers: Orphanet 731, Orphanet 8378, MedGen C0085548, MeSH D017044, MONDO:0009889.

Allele frequency attached by ClinVar (database versions not stated): TOPMed 0.00003; ExAC 0.00005; ESP Exome Variant Server 0.00008; gnomAD 0.00008.
gnomAD v4.1: 130 of 1,613,924 alleles (0.0081%); highest among the groups gnomAD compares: Non-Finnish European, 0.01%; no homozygotes.

Submission:

Labcorp Genetics (formerly Invitae), Labcorp
Classification: Uncertain significance for Autosomal recessive polycystic kidney disease. Last evaluated: 2021-12-25. Review status: criteria provided, single submitter. Criteria: Invitae Variant Classification Sherloc (09022015). Collection method: clinical testing. Allele origin: germline.
Comment: This sequence change replaces alanine, which is neutral and non-polar, with valine, which is neutral and non-polar, at codon 1758 of the PKHD1 protein (p.Ala1758Val). This variant is present in population databases (rs200928412, gnomAD 0.01%). This variant has not been reported in the literature in individuals affected with PKHD1-related conditions. Advanced modeling of protein sequence and biophysical properties (such as structural, functional, and spatial information, amino acid conservation, physicochemical variation, residue mobility, and thermodynamic stability) performed at Invitae indicates that this missense variant is not expected to disrupt PKHD1 protein function. In summary, the available evidence is currently insufficient to determine the role of this variant in disease. Therefore, it has been classified as a Variant of Uncertain Significance.